The following is an entry in ClinVar:

ClinVar aggregate classification (germline): Uncertain significance (1 of 4 stars; one submission).

Conditions:
Neuropathy, hereditary sensory, type 1F. Also called: Hereditary sensory neuropathy type IF; HSN IF. Identifiers: Orphanet 36386, MedGen C3810194, MONDO:0014286, OMIM 615632.

Allele frequency attached by ClinVar (database versions not stated): gnomAD 0.00001; gnomAD exomes 0.00001; ExAC 0.00002.
gnomAD v4.1: 15 of 1,613,958 alleles (0.00093%); highest among the groups gnomAD compares: Non-Finnish European, 0.0013%; no homozygotes.

Submission:

Labcorp Genetics (formerly Invitae), Labcorp
Classification: Uncertain significance for Neuropathy, hereditary sensory, type 1F. Last evaluated: 2022-10-25. Review status: criteria provided, single submitter. Criteria: Invitae Variant Classification Sherloc (09022015). Collection method: clinical testing. Allele origin: germline.
Comment: This sequence change creates a premature translational stop signal (p.Gln294*) in the ATL3 gene. It is expected to result in an absent or disrupted protein product. However, the current clinical and genetic evidence is not sufficient to establish whether loss-of-function variants in ATL3 cause disease. This variant is present in population databases (rs753269434, gnomAD 0.002%). This variant has not been reported in the literature in individuals affected with ATL3-related conditions. In summary, the available evidence is currently insufficient to determine the role of this variant in disease. Therefore, it has been classified as a Variant of Uncertain Significance.

NM_015459.5(ATL3):c.880C>T (p.Gln294Ter)

Genes: ATL3 (atlastin GTPase 3; minus strand), LNCROPM (lncRNA regulator of PLAAT3 mediated phospholipid metabolism; plus strand). Cytogenetic location: 11q13.1.
Variant type: single nucleotide variant.
Coding change: c.880C>T on transcript NM_015459.5 (MANE Select); coding-DNA position 880, C replaced by T.
Protein change: p.Gln294Ter; replaces glutamine 294 with a stop codon.
Molecular consequence: nonsense.
Genome position (GRCh38, 1-based): chr11:63,636,305, G>A on the plus strand (C>T on the coding strand, the complement: ATL3 is on the minus strand). VCF-style: chr11-63636305-G-A. GRCh37 (hg19) VCF-style: chr11-63403777-G-A.
Other names: c.826C>T, p.Gln276Ter (NM_001290048.2); short protein forms Q294*, Q276*.
Identifiers: ClinVar variation 1970639 (VCV001970639.5), dbSNP rs753269434, ClinGen allele CA6063659.